The following is an entry in ClinVar:

NM_000452.3(SLC10A2):c.213C>A (p.Gly71=)

Gene: SLC10A2 (solute carrier family 10 member 2; minus strand). Cytogenetic location: 13q33.1.
Variant type: single nucleotide variant.
Coding change: c.213C>A on transcript NM_000452.3 (MANE Select); coding-DNA position 213, C replaced by A.
Protein change: p.Gly71=; no amino-acid change (glycine 71 retained).
Molecular consequence: synonymous variant.
Genome position (GRCh38, 1-based): chr13:103,066,037, G>T on the plus strand (C>A on the coding strand, the complement: SLC10A2 is on the minus strand). VCF-style: chr13-103066037-G-T. GRCh37 (hg19) VCF-style: chr13-103718387-G-T.
Other names: p.Gly71=.
Identifiers: ClinVar variation 597434 (VCV000597434.6), dbSNP rs1193102070, ClinGen allele CA484974917.

ClinVar aggregate classification (germline): Conflicting classifications of pathogenicity. Review status: criteria provided, conflicting classifications (1 of 4 stars). 2 submissions from 2 submitters: Uncertain significance (1); Likely benign (1). Last evaluated 2025-08-29.

gnomAD v4.1: 1 of 1,613,792 alleles (0.000062%); highest among the groups gnomAD compares: African/African-American, 0.0013%; no homozygotes.

Submissions (2):

Mayo Clinic Laboratories, Mayo Clinic
Classification: Likely benign. Last evaluated: 2025-08-29. Review status: criteria provided, single submitter. Criteria: ACMG Guidelines, 2015. Collection method: clinical testing. Allele origin: germline. Observed: 1 variant allele.
Comment: BP4, BP7

Eurofins Ntd Llc (ga)
Classification: Uncertain significance. Last evaluated: 2018-06-05. Review status: criteria provided, single submitter. Criteria: EGL ClinVar v180209 classification definitions. Collection method: clinical testing. Allele origin: germline. Observed: 1 variant allele, 1 heterozygote.